The following is an entry in ClinVar:

NM_025074.7(FRAS1):c.11720G>T (p.Gly3907Val)

Gene: FRAS1 (Fraser extracellular matrix complex subunit 1; plus strand). Cytogenetic location: 4q21.21.
Variant type: single nucleotide variant.
Coding change: c.11720G>T on transcript NM_025074.7 (MANE Select); coding-DNA position 11720, G replaced by T.
Protein change: p.Gly3907Val; replaces glycine 3907 with valine.
Molecular consequence: missense variant.
Genome position (GRCh38, 1-based): chr4:78,540,805, G>T. VCF-style: chr4-78540805-G-T. GRCh37 (hg19) VCF-style: chr4-79461959-G-T.
Other names: p.Gly3907Val; short protein forms G3907V.
Identifiers: ClinVar variation 697684 (VCV000697684.17), dbSNP rs61748815, ClinGen allele CA2979288.

ClinVar aggregate classification (germline): Benign/Likely benign. Review status: criteria provided, multiple submitters, no conflicts (2 of 4 stars). 7 submissions from 7 submitters: Benign (4); Likely benign (1). 2 of the submissions do not count toward it. Last evaluated 2026-02-04.

Conditions:
Fraser syndrome 1 (FRASRS1). Also called: CRYPTOPHTHALMOS WITH OTHER MALFORMATIONS. Identifiers: Orphanet 2052, MedGen C4551480, MONDO:0054737, OMIM 219000.

Allele frequency attached by ClinVar (database versions not stated): gnomAD exomes 0.00223; ExAC 0.00245; 1000 Genomes Project 0.00839; 1000 Genomes Project 30x 0.00859; gnomAD 0.00870 and 0.00933; TOPMed 0.00929; ESP Exome Variant Server 0.00941.
gnomAD v4.1: 2,599 of 1,613,882 alleles (0.16%); highest among the groups gnomAD compares: African/African-American, 3%; 30 homozygotes.

Submissions (7):

Labcorp Genetics (formerly Invitae), Labcorp
Classification: Benign. Last evaluated: 2026-02-04. Review status: criteria provided, single submitter. Criteria: Invitae Variant Classification Sherloc (09022015). Collection method: clinical testing. Allele origin: germline.

Blueprint Genetics
Classification: Likely benign. Last evaluated: 2024-11-13. Review status: criteria provided, single submitter. Criteria: ACMG Guidelines, 2015. Collection method: clinical testing. Allele origin: germline.

Mayo Clinic Laboratories, Mayo Clinic
Classification: Benign. Last evaluated: 2024-10-01. Review status: criteria provided, single submitter. Criteria: ACMG Guidelines, 2015. Collection method: clinical testing. Allele origin: germline. Observed: 1 variant allele.
Comment: BS1, BS2

Illumina Laboratory Services, Illumina
Classification: Benign for Fraser syndrome 1. Last evaluated: 2018-01-12. Review status: criteria provided, single submitter. Criteria: ICSL Variant Classification Criteria 13 December 2019. Collection method: clinical testing. Allele origin: germline.
Comment: This variant was observed in the ICSL laboratory as part of a predisposition screen in an ostensibly healthy population. It had not been previously curated by ICSL or reported in the Human Gene Mutation Database (HGMD: prior to June 1st, 2018), and was therefore a candidate for classification through an automated scoring system. Utilizing variant allele frequency, disease prevalence and penetrance estimates, and inheritance mode, an automated score was calculated to assess if this variant is too frequent to cause the disease. Based on the score and internal cut-off values, a variant classified as benign is not then subjected to further curation. The score for this variant resulted in a classification of benign for this disease.

Breakthrough Genomics
Classification: Benign. Review status: criteria provided, single submitter. Criteria: ACMG Guidelines, 2015. Collection method: not provided. Allele origin: germline. Inheritance: Autosomal recessive inheritance. Affected: yes.

Clinical Genetics DNA and cytogenetics Diagnostics Lab, Erasmus MC, Erasmus Medical Center
Classification: Benign. Review status: no assertion criteria provided. Collection method: clinical testing. Allele origin: germline. Affected: yes. Study: VKGL Data-share Consensus. Not counted in ClinVar's aggregate classification.

Genome Diagnostics Laboratory, University Medical Center Utrecht
Classification: Benign. Review status: no assertion criteria provided. Collection method: clinical testing. Allele origin: germline. Affected: yes. Study: VKGL Data-share Consensus. Not counted in ClinVar's aggregate classification.